The following is an entry in ClinVar:

ClinVar aggregate classification (germline): Uncertain significance (1 of 4 stars; one submission).

Submission:

Labcorp Genetics (formerly Invitae), Labcorp
Classification: Uncertain significance. Last evaluated: 2022-08-16. Review status: criteria provided, single submitter. Criteria: Invitae Variant Classification Sherloc (09022015). Collection method: clinical testing. Allele origin: germline.
Comment: This sequence change replaces phenylalanine, which is neutral and non-polar, with leucine, which is neutral and non-polar, at codon 644 of the KATNB1 protein (p.Phe644Leu). This variant is not present in population databases (gnomAD no frequency). In summary, the available evidence is currently insufficient to determine the role of this variant in disease. Therefore, it has been classified as a Variant of Uncertain Significance. Algorithms developed to predict the effect of missense changes on protein structure and function are either unavailable or do not agree on the potential impact of this missense change (SIFT: "Deleterious"; PolyPhen-2: "Probably Damaging"; Align-GVGD: "Class C15"). ClinVar contains an entry for this variant (Variation ID: 1389262). This variant has not been reported in the literature in individuals affected with KATNB1-related conditions.

NM_005886.3(KATNB1):c.1930T>C (p.Phe644Leu)

Gene: KATNB1 (katanin regulatory subunit B1; plus strand). Cytogenetic location: 16q21.
Variant type: single nucleotide variant.
Coding change: c.1930T>C on transcript NM_005886.3 (MANE Select); coding-DNA position 1930, T replaced by C.
Protein change: p.Phe644Leu; replaces phenylalanine 644 with leucine.
Molecular consequence: missense variant.
Genome position (GRCh38, 1-based): chr16:57,756,908, T>C. VCF-style: chr16-57756908-T-C. GRCh37 (hg19) VCF-style: chr16-57790820-T-C.
Other names: short protein forms F644L.
Identifiers: ClinVar variation 1389262 (VCV001389262.6), dbSNP rs1310552933, ClinGen allele CA396074881.